The following is an entry in ClinVar:

NM_032776.3(JMJD1C):c.6570+3G>T

Gene: JMJD1C (jumonji domain containing 1C; minus strand). Cytogenetic location: 10q21.3.
Variant type: single nucleotide variant.
Coding change: c.6570+3G>T on transcript NM_032776.3 (MANE Select); 3 bases into the intron after coding-DNA position 6570, G replaced by T.
Molecular consequence: intron variant.
Genome position (GRCh38, 1-based): chr10:63,189,165, C>A on the plus strand (G>T on the coding strand, the complement: JMJD1C is on the minus strand). VCF-style: chr10-63189165-C-A. GRCh37 (hg19) VCF-style: chr10-64948925-C-A.
Other names: c.6024+3G>T (NM_001318154.2, NM_001282948.2); c.6456+3G>T (NM_001322252.2); c.5913+3G>T (NM_001322254.2, NM_001322258.2); c.5706+3G>T (NM_001318153.2).
Identifiers: ClinVar variation 1025639 (VCV001025639.6), dbSNP rs76935733, ClinGen allele CA5517863.

ClinVar aggregate classification (germline): Uncertain significance (1 of 4 stars; one submission).

Conditions:
Early Myoclonic Encephalopathy. Identifiers: MedGen C0270855.

Allele frequency attached by ClinVar (database versions not stated): TOPMed 0.00001.
gnomAD v4.1: 5 of 1,602,454 alleles (0.00031%); highest among the groups gnomAD compares: Non-Finnish European, 0.00043%; no homozygotes.

Submission:

Labcorp Genetics (formerly Invitae), Labcorp
Classification: Uncertain significance for Early Myoclonic Encephalopathy. Last evaluated: 2023-04-09. Review status: criteria provided, single submitter. Criteria: Invitae Variant Classification Sherloc (09022015). Collection method: clinical testing. Allele origin: germline.
Comment: Variants that disrupt the consensus splice site are a relatively common cause of aberrant splicing (PMID: 17576681, 9536098). Algorithms developed to predict the effect of sequence changes on RNA splicing suggest that this variant is not likely to affect RNA splicing. ClinVar contains an entry for this variant (Variation ID: 1025639). This variant has not been reported in the literature in individuals affected with JMJD1C-related conditions. This variant is present in population databases (rs76935733, gnomAD 0.0009%). This sequence change falls in intron 18 of the JMJD1C gene. It does not directly change the encoded amino acid sequence of the JMJD1C protein. It affects a nucleotide within the consensus splice site. In summary, the available evidence is currently insufficient to determine the role of this variant in disease. Therefore, it has been classified as a Variant of Uncertain Significance.

Literature cited by the submitters: PubMed 17576681; PubMed 9536098.